The following is an entry in ClinVar:

ClinVar aggregate classification (germline): Uncertain significance (1 of 4 stars; one submission).

Conditions:
Baller-Gerold syndrome (BGS). Also called: CRANIOSYNOSTOSIS WITH RADIAL DEFECTS. Identifiers: Orphanet 1225, MedGen C0265308, MONDO:0009039, OMIM 218600.

Submission:

Labcorp Genetics (formerly Invitae), Labcorp
Classification: Uncertain significance for Baller-Gerold syndrome. Last evaluated: 2023-05-15. Review status: criteria provided, single submitter. Criteria: Invitae Variant Classification Sherloc (09022015). Collection method: clinical testing. Allele origin: germline.
Comment: This variant is not present in population databases (gnomAD no frequency). This variant has not been reported in the literature in individuals affected with RECQL4-related conditions. ClinVar contains an entry for this variant (Variation ID: 967142). Advanced modeling of protein sequence and biophysical properties (such as structural, functional, and spatial information, amino acid conservation, physicochemical variation, residue mobility, and thermodynamic stability) has been performed at Invitae for this missense variant, however the output from this modeling did not meet the statistical confidence thresholds required to predict the impact of this variant on RECQL4 protein function. This sequence change replaces cysteine, which is neutral and slightly polar, with tryptophan, which is neutral and slightly polar, at codon 1085 of the RECQL4 protein (p.Cys1085Trp). In summary, the available evidence is currently insufficient to determine the role of this variant in disease. Therefore, it has been classified as a Variant of Uncertain Significance.

NM_004260.4(RECQL4):c.3255C>G (p.Cys1085Trp)

Gene: RECQL4 (RecQ like helicase 4; minus strand). Cytogenetic location: 8q24.3.
Variant type: single nucleotide variant.
Coding change: c.3255C>G on transcript NM_004260.4 (MANE Select); coding-DNA position 3255, C replaced by G.
Protein change: p.Cys1085Trp; replaces cysteine 1085 with tryptophan.
Molecular consequence: missense variant.
Genome position (GRCh38, 1-based): chr8:144,512,049, G>C on the plus strand (C>G on the coding strand, the complement: RECQL4 is on the minus strand). VCF-style: chr8-144512049-G-C. GRCh37 (hg19) VCF-style: chr8-145737432-G-C.
Other names: short protein forms C1085W.
Identifiers: ClinVar variation 967142 (VCV000967142.7), dbSNP rs779365826, ClinGen allele CA372669253.
Genomic context (GRCh38, chr8:144,512,049, plus strand): 5'-GCCGAGCAGGTCCTTGAGCCTGGTGCTGCGCTCCTCATCCTGCTGCTCCAGGCAGGGCCC[G>C]CAGCTGGGGAAGGCTACGCTGTGGGGAGGAGCCTGTCAGAGCTGATCACTGCGGGAGGGT-3'
Protein context (NP_004251.4, residues 1075-1095): QAFHSVAFPS[Cys1085Trp]GPCLEQQDEE